The following is an entry in ClinVar:

ClinVar aggregate classification (germline): Uncertain significance (1 of 4 stars; one submission).

Conditions:
Hereditary cancer-predisposing syndrome. Also called: Hereditary Cancer Syndrome; Tumor predisposition; Hereditary neoplastic syndrome; Neoplastic Syndromes, Hereditary. Identifiers: Orphanet 140162, MedGen C0027672, MeSH D009386, MONDO:0015356.

Submission:

Ambry Genetics
Classification: Uncertain significance for Hereditary cancer-predisposing syndrome. Last evaluated: 2024-10-14. Review status: criteria provided, single submitter. Criteria: Ambry Variant Classification Scheme 2023. Collection method: clinical testing. Allele origin: germline.
Comment: The p.V38I variant (also known as c.112G>A), located in coding exon 2 of the MRE11A gene, results from a G to A substitution at nucleotide position 112. The valine at codon 38 is replaced by isoleucine, an amino acid with highly similar properties. This amino acid position is conserved. In addition, this alteration is predicted to be tolerated by in silico analysis. Based on the available evidence, the clinical significance of this variant remains unclear.

NM_005591.4(MRE11):c.112G>A (p.Val38Ile)

Gene: MRE11 (MRE11 double strand break repair nuclease; minus strand). Cytogenetic location: 11q21.
Variant type: single nucleotide variant.
Coding change: c.112G>A on transcript NM_005591.4 (MANE Select); coding-DNA position 112, G replaced by A.
Protein change: p.Val38Ile; replaces valine 38 with isoleucine.
Molecular consequence: missense variant.
Genome position (GRCh38, 1-based): chr11:94,490,874, C>T on the plus strand (G>A on the coding strand, the complement: MRE11 is on the minus strand). VCF-style: chr11-94490874-C-T. GRCh37 (hg19) VCF-style: chr11-94224040-C-T.
Other names: c.112G>A, p.Val38Ile (NM_001330347.2, NM_005590.4); short protein forms V38I.
Identifiers: ClinVar variation 3397873 (VCV003397873.1).